The following is an entry in ClinVar:

NM_001127198.5(TMC6):c.711_715del (p.Ile237fs)

Gene: TMC6 (transmembrane channel like 6; minus strand). Cytogenetic location: 17q25.3.
Variant type: Deletion.
Coding change: c.711_715del on transcript NM_001127198.5 (MANE Select); coding-DNA positions 711 to 715, 5 bases deleted (CGGGG; older notation c.711_715delCGGGG).
Protein change: p.Ile237fs; shifts the reading frame from isoleucine 237.
Molecular consequence: frameshift variant. On other transcripts: non-coding transcript variant (4).
Genome position (GRCh38, 1-based): chr17:78,124,700-78,124,704, CCCCG deleted on the plus strand (CGGGG on the coding strand, the reverse complement: TMC6 is on the minus strand). VCF-style (leftmost placement, unchanged base first): chr17-78124699-CCCCCG-C. GRCh37 (hg19) VCF-style: chr17-76120780-CCCCCG-C.
Other names: c.711_715del, p.Ile237fs (NM_001321185.1, NM_001374593.1, NM_001374594.1 and 4 more transcripts); short protein forms I237fs.
Identifiers: ClinVar variation 1454263 (VCV001454263.6), dbSNP rs2145350631, ClinGen allele CA2573154885.

ClinVar aggregate classification (germline): Pathogenic (1 of 4 stars; one submission).

Conditions:
Epidermodysplasia verruciformis. Identifiers: Orphanet 302, MedGen C0014522, MONDO:0009176.

Submission:

Labcorp Genetics (formerly Invitae), Labcorp
Classification: Pathogenic for Epidermodysplasia verruciformis. Last evaluated: 2022-09-08. Review status: criteria provided, single submitter. Criteria: Invitae Variant Classification Sherloc (09022015). Collection method: clinical testing. Allele origin: germline.
Comment: This sequence change creates a premature translational stop signal (p.Ile237Metfs*74) in the TMC6 gene. It is expected to result in an absent or disrupted protein product. Loss-of-function variants in TMC6 are known to be pathogenic (PMID: 15042430, 17139267). This variant is not present in population databases (gnomAD no frequency). This variant has not been reported in the literature in individuals affected with TMC6-related conditions. ClinVar contains an entry for this variant (Variation ID: 1454263). For these reasons, this variant has been classified as Pathogenic.

Literature cited by the submitters: PubMed 15042430; PubMed 17139267.